The following is an entry in ClinVar:

ClinVar aggregate classification (germline): Uncertain significance (1 of 4 stars; one submission).

Conditions:
Autosomal dominant hypocalcemia 1 (HYPOC1). Also called: HYPOCALCEMIA, FAMILIAL. Identifiers: MedGen C3715128, MONDO:0011013, OMIM 601198.
Familial hypocalciuric hypercalcemia (FHH). Also called: Familial benign hypercalcemia. Identifiers: Orphanet 405, MedGen C1809471, MONDO:0018458.

gnomAD v4.1: 1 of 1,614,198 alleles (0.000062%); highest among the groups gnomAD compares: Non-Finnish European, 0.000085%; no homozygotes.

Submission:

Labcorp Genetics (formerly Invitae), Labcorp
Classification: Uncertain significance for Familial hypocalciuric hypercalcemia; Autosomal dominant hypocalcemia 1. Last evaluated: 2020-08-17. Review status: criteria provided, single submitter. Criteria: Invitae Variant Classification Sherloc (09022015). Collection method: clinical testing. Allele origin: germline.
Comment: In summary, the available evidence is currently insufficient to determine the role of this variant in disease. Therefore, it has been classified as a Variant of Uncertain Significance. Algorithms developed to predict the effect of missense changes on protein structure and function (SIFT, PolyPhen-2, Align-GVGD) all suggest that this variant is likely to be disruptive, but these predictions have not been confirmed by published functional studies and their clinical significance is uncertain. This variant has not been reported in the literature in individuals with CASR-related conditions. This variant is not present in population databases (ExAC no frequency). This sequence change replaces threonine with serine at codon 100 of the CASR protein (p.Thr100Ser). The threonine residue is highly conserved and there is a small physicochemical difference between threonine and serine.

NM_000388.4(CASR):c.298A>T (p.Thr100Ser)

Gene: CASR (calcium sensing receptor; plus strand). Cytogenetic location: 3q21.1.
Variant type: single nucleotide variant.
Coding change: c.298A>T on transcript NM_000388.4 (MANE Select); coding-DNA position 298, A replaced by T.
Protein change: p.Thr100Ser; replaces threonine 100 with serine.
Molecular consequence: missense variant.
Genome position (GRCh38, 1-based): chr3:122,257,193, A>T. VCF-style: chr3-122257193-A-T. GRCh37 (hg19) VCF-style: chr3-121976040-A-T.
Other names: c.298A>T, p.Thr100Ser (NM_001178065.2); short protein forms T100S.
Identifiers: ClinVar variation 1020731 (VCV001020731.9), dbSNP rs1433686492, ClinGen allele CA354362593.
Genomic context (GRCh38, chr3:122,257,193, plus strand): 5'-GAGATAAACAGCAGCCCAGCCCTTCTTCCCAACTTGACGCTGGGATACAGGATATTTGAC[A>T]CTTGCAACACCGTTTCTAAGGCCTTGGAAGCCACCCTGAGTTTTGTTGCTCAAAACAAAA-3'
Protein context (NP_000379.3, residues 90-110): NLTLGYRIFD[Thr100Ser]CNTVSKALEA